The following is an entry in ClinVar:

ClinVar aggregate classification (germline): Uncertain significance (1 of 4 stars; one submission).

Submission:

Labcorp Genetics (formerly Invitae), Labcorp
Classification: Uncertain significance. Last evaluated: 2022-07-12. Review status: criteria provided, single submitter. Criteria: Invitae Variant Classification Sherloc (09022015). Collection method: clinical testing. Allele origin: germline.
Comment: In summary, the available evidence is currently insufficient to determine the role of this variant in disease. Therefore, it has been classified as a Variant of Uncertain Significance. Experimental studies and prediction algorithms are not available or were not evaluated, and the functional significance of this variant is currently unknown. ClinVar contains an entry for this variant (Variation ID: 1499501). This variant has not been reported in the literature in individuals affected with HTT-related conditions. This variant is not present in population databases (gnomAD no frequency). This sequence change replaces glycine, which is neutral and non-polar, with alanine, which is neutral and non-polar, at codon 377 of the HTT protein (p.Gly377Ala).

NM_001388492.1(HTT):c.1124G>C (p.Gly375Ala)

Gene: HTT (huntingtin; plus strand). Cytogenetic location: 4p16.3.
Variant type: single nucleotide variant.
Coding change: c.1124G>C on transcript NM_001388492.1 (MANE Select); coding-DNA position 1124, G replaced by C.
Protein change: p.Gly375Ala; replaces glycine 375 with alanine.
Molecular consequence: missense variant.
Genome position (GRCh38, 1-based): chr4:3,121,283, G>C. VCF-style: chr4-3121283-G-C. GRCh37 (hg19) VCF-style: chr4-3123010-G-C.
Other names: c.1130G>C, p.Gly377Ala (NM_002111.8); short protein forms G375A, G377A.
Identifiers: ClinVar variation 1499501 (VCV001499501.6), dbSNP rs2110177656, ClinGen allele CA356070499.